The following is an entry in ClinVar:

ClinVar aggregate classification (germline): Uncertain significance (1 of 4 stars; one submission).

Conditions:
Capillary malformation-arteriovenous malformation syndrome. Also called: Capillary malformation-arteriovenous malformation. Identifiers: Orphanet 137667, MedGen C1842180, MONDO:0012016.

Submission:

Labcorp Genetics (formerly Invitae), Labcorp
Classification: Uncertain significance for Capillary malformation-arteriovenous malformation syndrome. Last evaluated: 2025-08-11. Review status: criteria provided, single submitter. Criteria: Invitae Variant Classification Sherloc (09022015). Collection method: clinical testing. Allele origin: germline.
Comment: This sequence change replaces glutamine, which is neutral and polar, with arginine, which is basic and polar, at codon 1037 of the RASA1 protein (p.Gln1037Arg). This variant is not present in population databases (gnomAD no frequency). This variant has not been reported in the literature in individuals affected with RASA1-related conditions. An algorithm developed to predict the effect of missense changes on protein structure and function (PolyPhen-2) suggests that this variant is likely to be disruptive. Algorithms developed to predict the effect of sequence changes on RNA splicing suggest that this variant may create or strengthen a splice site. In summary, the available evidence is currently insufficient to determine the role of this variant in disease. Therefore, it has been classified as a Variant of Uncertain Significance.

NM_002890.3(RASA1):c.3110A>G (p.Gln1037Arg)

Genes: CCNH (cyclin H; minus strand), RASA1 (RAS p21 protein activator 1; plus strand). Cytogenetic location: 5q14.3.
Variant type: single nucleotide variant.
Coding change: c.3110A>G on transcript NM_002890.3 (MANE Select); coding-DNA position 3110, A replaced by G.
Protein change: p.Gln1037Arg; replaces glutamine 1037 with arginine.
Molecular consequence: missense variant. On other transcripts: 3 prime UTR variant (2), non-coding transcript variant (1), intron variant (1).
Genome position (GRCh38, 1-based): chr5:87,390,849, A>G. VCF-style: chr5-87390849-A-G. GRCh37 (hg19) VCF-style: chr5-86686666-A-G.
Other names: c.2579A>G, p.Gln860Arg (NM_022650.3); c.*2011T>C (NM_001363539.2, NM_001364076.2); c.933+4195T>C (NM_001364075.2); short protein forms Q860R, Q1037R.
Identifiers: ClinVar variation 4725202 (VCV004725202.1).